The following is an entry in ClinVar:

NM_000038.6(APC):c.8500C>T (p.His2834Tyr)

Gene: APC (APC regulator of Wnt signaling pathway; plus strand). Cytogenetic location: 5q22.2.
Variant type: single nucleotide variant.
Coding change: c.8500C>T on transcript NM_000038.6 (MANE Select); coding-DNA position 8500, C replaced by T.
Protein change: p.His2834Tyr; replaces histidine 2834 with tyrosine.
Molecular consequence: missense variant.
Genome position (GRCh38, 1-based): chr5:112,844,094, C>T. VCF-style: chr5-112844094-C-T. GRCh37 (hg19) VCF-style: chr5-112179791-C-T.
Other names: c.8323C>T, p.His2775Tyr (NM_001354901.2); c.8227C>T, p.His2743Tyr (NM_001354902.2); c.8197C>T, p.His2733Tyr (NM_001354903.2); c.8122C>T, p.His2708Tyr (NM_001354904.2); c.8020C>T, p.His2674Tyr (NM_001354905.2); c.7651C>T, p.His2551Tyr (NM_001354906.2); c.8500C>T, p.His2834Tyr (NM_001127510.3, NM_001354895.2); c.8446C>T, p.His2816Tyr (NM_001127511.3); and 5 more; short protein forms H2551Y, H2708Y, H2816Y, H2743Y, H2852Y, H2674Y, H2733Y, H2809Y.
Identifiers: ClinVar variation 822519 (VCV000822519.18), dbSNP rs1198859722, ClinGen allele CA16039770.

ClinVar aggregate classification (germline): Uncertain significance. Review status: criteria provided, multiple submitters, no conflicts (2 of 4 stars). 5 submissions from 5 submitters: Uncertain significance (5). Last evaluated 2026-01-04.

Conditions:
Familial adenomatous polyposis 1 (FAP1). Also called: FAMILIAL ADENOMATOUS POLYPOSIS 1, ATTENUATED; POLYPOSIS, ADENOMATOUS INTESTINAL. Identifiers: MedGen C2713442, MONDO:0021056, OMIM 175100. Disease mechanism: loss of function.
Classic or attenuated familial adenomatous polyposis. Identifiers: MedGen CN372698, MONDO:0021057.
Hereditary cancer-predisposing syndrome. Also called: Tumor predisposition; Hereditary Cancer Syndrome; Neoplastic Syndromes, Hereditary; Hereditary neoplastic syndrome. Identifiers: Orphanet 140162, MedGen C0027672, MeSH D009386, MONDO:0015356.

Allele frequency attached by ClinVar (database versions not stated): gnomAD exomes below 0.00001.
gnomAD v4.1: 3 of 1,611,822 alleles (0.00019%); highest among the groups gnomAD compares: East Asian, 0.0045%; no homozygotes.

Submissions (5):

Labcorp Genetics (formerly Invitae), Labcorp
Classification: Uncertain significance for Familial adenomatous polyposis 1. Last evaluated: 2026-01-04. Review status: criteria provided, single submitter. Criteria: Invitae Variant Classification Sherloc (09022015). Collection method: clinical testing. Allele origin: germline.
Comment: This sequence change replaces histidine, which is basic and polar, with tyrosine, which is neutral and polar, at codon 2834 of the APC protein (p.His2834Tyr). This variant is present in population databases (no rsID available, gnomAD 0.0009%). This variant has not been reported in the literature in individuals affected with APC-related conditions. ClinVar contains an entry for this variant (Variation ID: 822519). Invitae Evidence Modeling of protein sequence and biophysical properties (such as structural, functional, and spatial information, amino acid conservation, physicochemical variation, residue mobility, and thermodynamic stability) indicates that this missense variant is not expected to disrupt APC protein function with a negative predictive value of 95%. In summary, the available evidence is currently insufficient to determine the role of this variant in disease. Therefore, it has been classified as a Variant of Uncertain Significance.

Ambry Genetics
Classification: Uncertain significance for Hereditary cancer-predisposing syndrome. Last evaluated: 2024-05-31. Review status: criteria provided, single submitter. Criteria: Ambry Variant Classification Scheme 2023. Collection method: clinical testing. Allele origin: germline.
Comment: The p.H2834Y variant (also known as c.8500C>T), located in coding exon 15 of the APC gene, results from a C to T substitution at nucleotide position 8500. The histidine at codon 2834 is replaced by tyrosine, an amino acid with similar properties. This amino acid position is highly conserved in available vertebrate species. In addition, in silico predictors for this gene do not accurately predict pathogenicity. Since supporting evidence is limited at this time, the clinical significance of this alteration remains unclear.

Color Diagnostics, LLC DBA Color Health
Classification: Uncertain significance for Hereditary cancer-predisposing syndrome. Last evaluated: 2024-03-07. Review status: criteria provided, single submitter. Criteria: ACMG Guidelines, 2015. Collection method: clinical testing. Allele origin: germline.
Comment: This missense variant replaces histidine with tyrosine at codon 2834 of the APC protein. Computational prediction is inconclusive regarding the impact of this variant on protein structure and function (internally defined REVEL score threshold 0.5 < inconclusive < 0.7, PMID: 27666373). To our knowledge, functional studies have not been reported for this variant. This variant has not been reported in individuals affected with APC-related disorders in the literature. This variant has been identified in 1/243396 chromosomes in the general population by the Genome Aggregation Database (gnomAD). The available evidence is insufficient to determine the role of this variant in disease conclusively. Therefore, this variant is classified as a Variant of Uncertain Significance.

All of Us Research Program, National Institutes of Health
Classification: Uncertain significance for Classic or attenuated familial adenomatous polyposis. Last evaluated: 2023-05-16. Review status: criteria provided, single submitter. Criteria: ACMG Guidelines, 2015. Collection method: clinical testing. Allele origin: germline. Inheritance: Autosomal dominant inheritance. Observed: 1 variant allele, 1 heterozygote.
Comment: This missense variant replaces histidine with tyrosine at codon 2834 of the APC protein. Computational prediction is inconclusive regarding the impact of this variant on protein structure and function (internally defined REVEL score threshold 0.5 < inconclusive < 0.7, PMID: 27666373). To our knowledge, functional studies have not been reported for this variant. This variant has not been reported in individuals affected with APC-related disorders in the literature. This variant has been identified in 1/243396 chromosomes in the general population by the Genome Aggregation Database (gnomAD). The available evidence is insufficient to determine the role of this variant in disease conclusively. Therefore, this variant is classified as a Variant of Uncertain Significance.

This study involves interpretation of variants in research participants for the purpose of population health screening. Participant phenotype was not available at the time of variant classification. Additional details can be found in publication PMID: 35346344, PMCID: PMC8962531

Sema4
Classification: Uncertain significance for Hereditary cancer-predisposing syndrome. Last evaluated: 2021-10-31. Review status: criteria provided, single submitter. Criteria: Sema4 Curation Guidelines. Collection method: curation. Allele origin: germline.
Comment: The APC c.8500C>T (p.H2834Y) variant has not been reported in the literature to our knowledge. This variant was observed in 1/112656 chromosomes in the Non-Finnish European subpopulation according to the Genome Aggregation Database (PMID: 32461654). This variant has been reported in ClinVar (Variation ID: 822519). Functional studies have not been performed, and in silico predictions of the variant's effect on protein function are inconclusive. The evidence is insufficient to meet ACMG/AMP criteria for classifying the variant as benign or pathogenic. Thus, the clinical significance of this variant is currently uncertain.